The following is an entry in ClinVar:

ClinVar aggregate classification (germline): Benign/Likely benign. Review status: criteria provided, multiple submitters, no conflicts (2 of 4 stars). 5 submissions from 5 submitters: Benign (1); Likely benign (3). 1 of the submissions does not count toward it. Last evaluated 2026-01-27.

Conditions:
Deficiency of beta-ureidopropionase (UPB1D). Also called: Beta-ureidopropionase deficiency. Identifiers: Orphanet 65287, MedGen C1291512, MONDO:0013164, OMIM 613161.
UPB1-related disorder. Also called: UPB1-related condition.

Allele frequency attached by ClinVar (database versions not stated): 1000 Genomes Project 0.00339; 1000 Genomes Project 30x 0.00344; gnomAD exomes 0.00615 and 0.00831; gnomAD 0.00637 and 0.00658; TOPMed 0.00639; ExAC 0.00661; ESP Exome Variant Server 0.00723.

Submissions (5):

Labcorp Genetics (formerly Invitae), Labcorp
Classification: Benign. Last evaluated: 2026-01-27. Review status: criteria provided, single submitter. Criteria: Invitae Variant Classification Sherloc (09022015). Collection method: clinical testing. Allele origin: germline.

CeGaT Center for Human Genetics Tuebingen
Classification: Likely benign. Last evaluated: 2025-08-01. Review status: criteria provided, single submitter. Criteria: CeGaT Center For Human Genetics Tuebingen Variant Classification Criteria Version 2. Collection method: clinical testing. Allele origin: germline. Affected: yes. Observed: 7 variant alleles.
Comment: UPB1: BP4, BP7, BS2

Illumina Laboratory Services, Illumina
Classification: Likely benign for Deficiency of beta-ureidopropionase. Last evaluated: 2017-04-27. Review status: criteria provided, single submitter. Criteria: ICSL Variant Classification Criteria 13 December 2019. Collection method: clinical testing. Allele origin: germline.
Comment: This variant was observed as part of a predisposition screen in an ostensibly healthy population. A literature search was performed for the gene, cDNA change, and amino acid change (where applicable). Publications were found based on this search. The evidence from the literature, in combination with allele frequency data from public databases where available, was sufficient to determine this variant is unlikely to cause disease. Therefore, this variant is classified as likely benign.

Breakthrough Genomics
Classification: Likely benign. Review status: criteria provided, single submitter. Criteria: ACMG Guidelines, 2015. Collection method: not provided. Allele origin: germline. Inheritance: Autosomal recessive inheritance. Affected: yes.

PreventionGenetics, part of Exact Sciences
Classification: Benign for UPB1-related condition. Last evaluated: 2019-05-31. Review status: no assertion criteria provided. Collection method: clinical testing. Allele origin: germline. Not counted in ClinVar's aggregate classification.
Comment: This variant is classified as benign based on ACMG/AMP sequence variant interpretation guidelines (Richards et al. 2015 PMID: 25741868, with internal and published modifications).

Literature cited by the submitters: PubMed 23238479 (cited by Illumina Laboratory Services, Illumina).

NM_016327.3(UPB1):c.1107C>T (p.Leu369=)

Genes: UPB1 (beta-ureidopropionase 1; plus strand), LOC130067121 (ATAC-STARR-seq lymphoblastoid active region 18778; plus strand). Cytogenetic location: 22q11.23.
Variant type: single nucleotide variant.
Coding change: c.1107C>T on transcript NM_016327.3 (MANE Select); coding-DNA position 1107, C replaced by T.
Protein change: p.Leu369=; no amino-acid change (leucine 369 retained).
Molecular consequence: synonymous variant.
Genome position (GRCh38, 1-based): chr22:24,525,746, C>T. VCF-style: chr22-24525746-C-T. GRCh37 (hg19) VCF-style: chr22-24921714-C-T.
Identifiers: ClinVar variation 789360 (VCV000789360.38), dbSNP rs138691259, ClinGen allele CA10153494.